The following is an entry in ClinVar:

NM_002485.5(NBN):c.1876C>T (p.Leu626Phe)

Genes: NBN (nibrin; minus strand), LOC126860438 (MED14-independent group 3 enhancer GRCh37_chr8:90959982-90961181; plus strand). Cytogenetic location: 8q21.3.
Variant type: single nucleotide variant.
Coding change: c.1876C>T on transcript NM_002485.5 (MANE Select); coding-DNA position 1876, C replaced by T.
Protein change: p.Leu626Phe; replaces leucine 626 with phenylalanine.
Molecular consequence: missense variant.
Genome position (GRCh38, 1-based): chr8:89,947,862, G>A on the plus strand (C>T on the coding strand, the complement: NBN is on the minus strand). VCF-style: chr8-89947862-G-A. GRCh37 (hg19) VCF-style: chr8-90960090-G-A.
Other names: c.1630C>T, p.Leu544Phe (NM_001024688.3); short protein forms L626F, L544F.
Identifiers: ClinVar variation 3917586 (VCV003917586.1).

ClinVar aggregate classification (germline): Uncertain significance (1 of 4 stars; one submission).

Conditions:
Hereditary cancer-predisposing syndrome. Also called: Hereditary Cancer Syndrome; Hereditary neoplastic syndrome; Neoplastic Syndromes, Hereditary; Tumor predisposition. Identifiers: Orphanet 140162, MedGen C0027672, MeSH D009386, MONDO:0015356.

gnomAD v4.1: 1 of 1,581,346 alleles (0.000063%); highest among the groups gnomAD compares: South Asian, 0.0011%; no homozygotes.

Submission:

Ambry Genetics
Classification: Uncertain significance for Hereditary cancer-predisposing syndrome. Last evaluated: 2025-03-30. Review status: criteria provided, single submitter. Criteria: Ambry Variant Classification Scheme 2023. Collection method: clinical testing. Allele origin: germline.
Comment: The p.L626F variant (also known as c.1876C>T), located in coding exon 12 of the NBN gene, results from a C to T substitution at nucleotide position 1876. The leucine at codon 626 is replaced by phenylalanine, an amino acid with highly similar properties. This amino acid position is conserved. In addition, this alteration is predicted to be tolerated by in silico analysis. Based on the available evidence, the clinical significance of this variant remains unclear.